The following is an entry in ClinVar:

NM_003098.3(SNTA1):c.307A>G (p.Lys103Glu)

Genes: SNTA1 (syntrophin alpha 1; minus strand), LOC130065679 (ATAC-STARR-seq lymphoblastoid silent region 12811; plus strand). Cytogenetic location: 20q11.21.
Variant type: single nucleotide variant.
Coding change: c.307A>G on transcript NM_003098.3 (MANE Select); coding-DNA position 307, A replaced by G.
Protein change: p.Lys103Glu; replaces lysine 103 with glutamic acid.
Molecular consequence: missense variant.
Genome position (GRCh38, 1-based): chr20:33,443,314, T>C on the plus strand (A>G on the coding strand, the complement: SNTA1 is on the minus strand). VCF-style: chr20-33443314-T-C. GRCh37 (hg19) VCF-style: chr20-32031120-T-C.
Other names: c.307A>G, p.Lys103Glu (NM_001424413.1, NM_001424414.1); short protein forms K103E.
Identifiers: ClinVar variation 3446794 (VCV003446794.1).
Genomic context (GRCh38, chr20:33,443,314, plus strand): 5'-GCGCCCTCGGCTGCCCCCAGACACCACGACCCCGCGCCCTCGGTGTCCCGCGCCCACCTT[T>C]GATGCTGATGCCCAGCCCACCGGCGTCGGCCTTGCGCACCGTCACGCGGCGCCGCTGGAG-3'
Protein context (NP_003089.1, residues 93-113): ADAGGLGISI[Lys103Glu]GGRENKMPIL

ClinVar aggregate classification (germline): Uncertain significance (1 of 4 stars; one submission).

Conditions:
Cardiovascular phenotype. Identifiers: MedGen CN230736.

gnomAD v4.1: 4 of 1,508,870 alleles (0.00027%); highest among the groups gnomAD compares: Non-Finnish European, 0.00035%; no homozygotes.

Submission:

Ambry Genetics
Classification: Uncertain significance for Cardiovascular phenotype. Last evaluated: 2024-10-08. Review status: criteria provided, single submitter. Criteria: Ambry Variant Classification Scheme 2023. Collection method: clinical testing. Allele origin: germline.
Comment: The p.K103E variant (also known as c.307A>G), located in coding exon 1 of the SNTA1 gene, results from an A to G substitution at nucleotide position 307. The lysine at codon 103 is replaced by glutamic acid, an amino acid with similar properties. This amino acid position is conserved. In addition, this alteration is predicted to be tolerated by in silico analysis. Based on the available evidence, the clinical significance of this variant remains unclear.